The following is an entry in ClinVar:

NM_004006.3(DMD):c.6506T>C (p.Ile2169Thr)

Gene: DMD (dystrophin; minus strand). Cytogenetic location: Xp21.1.
Variant type: single nucleotide variant.
Coding change: c.6506T>C on transcript NM_004006.3 (MANE Select); coding-DNA position 6506, T replaced by C.
Protein change: p.Ile2169Thr; replaces isoleucine 2169 with threonine.
Molecular consequence: missense variant. On other transcripts: 5 prime UTR variant (5).
Genome position (GRCh38, 1-based): chrX:31,968,447, A>G on the plus strand (T>C on the coding strand, the complement: DMD is on the minus strand). VCF-style: chrX-31968447-A-G. GRCh37 (hg19) VCF-style: chrX-31986564-A-G.
Other names: c.6482T>C, p.Ile2161Thr (NM_000109.4); c.6494T>C, p.Ile2165Thr (NM_004009.3); c.6137T>C, p.Ile2046Thr (NM_004010.3); c.2483T>C, p.Ile828Thr (NM_004011.4); c.2474T>C, p.Ile825Thr (NM_004012.4); c.-875T>C (NM_004013.3, NM_004020.4, NM_004021.3 and 2 more transcripts); short protein forms I2046T, I2161T, I2165T, I2169T, I825T, I828T.
Identifiers: ClinVar variation 5035393 (VCV005035393.1).
Genomic context (GRCh38, chrX:31,968,447, plus strand): 5'-TTCAGGCTTCCCAATTTTTCCTGTAGAATACTGGCATCTGTTTTTGAGGATTGCTGAATT[A>G]TTTCTTCCCCAGTTGCATTCAATGTTCTGACAACAGTTTGCCGCTGCCCAATGCCATCCT-3'
Protein context (NP_003997.2, residues 2159-2179): VRTLNATGEE[Ile2169Thr]IQQSSKTDAS

ClinVar aggregate classification (germline): Uncertain significance (1 of 4 stars; one submission).

Conditions:
Cardiovascular phenotype. Identifiers: MedGen CN230736.

Submission:

Ambry Genetics
Classification: Uncertain significance for Cardiovascular phenotype. Last evaluated: 2026-07-24. Review status: criteria provided, single submitter. Criteria: Ambry Variant Classification Scheme 2023. Collection method: clinical testing. Allele origin: germline.
Comment: The p.I2169T variant (also known as c.6506T>C), located in coding exon 45 of the DMD gene, results from a T to C substitution at nucleotide position 6506. The isoleucine at codon 2169 is replaced by threonine, an amino acid with similar properties. This amino acid position is conserved. In addition, the in silico prediction for this alteration is inconclusive. Based on the available evidence, the clinical significance of this variant remains unclear.